The following is an entry in ClinVar:

NM_021072.4(HCN1):c.2605A>G (p.Arg869Gly)

Gene: HCN1 (hyperpolarization activated cyclic nucleotide gated potassium channel 1; minus strand). Cytogenetic location: 5p12.
Variant type: single nucleotide variant.
Coding change: c.2605A>G on transcript NM_021072.4 (MANE Select); coding-DNA position 2605, A replaced by G.
Protein change: p.Arg869Gly; replaces arginine 869 with glycine.
Molecular consequence: missense variant.
Genome position (GRCh38, 1-based): chr5:45,261,989, T>C on the plus strand (A>G on the coding strand, the complement: HCN1 is on the minus strand). VCF-style: chr5-45261989-T-C. GRCh37 (hg19) VCF-style: chr5-45262091-T-C.
Other names: short protein forms R869G.
Identifiers: ClinVar variation 2902065 (VCV002902065.3), dbSNP rs1207082922, ClinGen allele CA359703018.

ClinVar aggregate classification (germline): Uncertain significance (1 of 4 stars; one submission).

Conditions:
Early-infantile DEE. Also called: Early infantile epileptic encephalopathy; Ohtahara syndrome; Early infantile epileptic encephalopathy with suppression bursts. Identifiers: Orphanet 1934, MedGen C0393706, MONDO:0800491.

Allele frequency attached by ClinVar (database versions not stated): gnomAD exomes below 0.00001; gnomAD 0.00001; TOPMed 0.00001.
gnomAD v4.1: 9 of 1,613,934 alleles (0.00056%); highest among the groups gnomAD compares: East Asian, 0.011%; no homozygotes.

Submission:

Labcorp Genetics (formerly Invitae), Labcorp
Classification: Uncertain significance for Early-infantile DEE. Last evaluated: 2023-07-10. Review status: criteria provided, single submitter. Criteria: Invitae Variant Classification Sherloc (09022015). Collection method: clinical testing. Allele origin: germline.
Comment: This variant is present in population databases (no rsID available, gnomAD 0.007%). This variant has not been reported in the literature in individuals affected with HCN1-related conditions. Advanced modeling of protein sequence and biophysical properties (such as structural, functional, and spatial information, amino acid conservation, physicochemical variation, residue mobility, and thermodynamic stability) performed at Invitae indicates that this missense variant is not expected to disrupt HCN1 protein function. In summary, the available evidence is currently insufficient to determine the role of this variant in disease. Therefore, it has been classified as a Variant of Uncertain Significance. This sequence change replaces arginine, which is basic and polar, with glycine, which is neutral and non-polar, at codon 869 of the HCN1 protein (p.Arg869Gly).